The following is an entry in ClinVar:

ClinVar aggregate classification (germline): Uncertain significance. Review status: criteria provided, multiple submitters, no conflicts (2 of 4 stars). 2 submissions from 2 submitters: Uncertain significance (2). Last evaluated 2026-04-14.

Conditions:
GNE myopathy (NM). Also called: NONAKA DISTAL MYOPATHY; INCLUSION BODY MYOPATHY, HEREDITARY, AUTOSOMAL RECESSIVE; INCLUSION BODY MYOPATHY 2, AUTOSOMAL RECESSIVE; MYOPATHY, DISTAL, WITH OR WITHOUT RIMMED VACUOLES; IBM 2; Inclusion body myopathy autosomal recessive. Identifiers: Orphanet 602, MedGen C1853926, MONDO:0011603, OMIM 605820.
Sialuria. Also called: SIALURIA, FRENCH TYPE; Sialic Acid Storage Disease. Identifiers: Orphanet 3166, MedGen C0342853, MONDO:0010028, OMIM 269921.

Allele frequency attached by ClinVar (database versions not stated): gnomAD 0.00013; 1000 Genomes Project 30x 0.00016; 1000 Genomes Project 0.00020; gnomAD exomes 0.00003; ExAC 0.00005; ESP Exome Variant Server 0.00008; TOPMed 0.00008.
gnomAD v4.1: 59 of 1,609,516 alleles (0.0037%); highest among the groups gnomAD compares: African/African-American, 0.044%; no homozygotes.

Submissions (2):

Women's Health and Genetics/Laboratory Corporation of America, LabCorp
Classification: Uncertain significance. Last evaluated: 2026-04-14. Review status: criteria provided, single submitter. Criteria: LabCorp Variant Classification Summary - May 2015. Collection method: clinical testing. Allele origin: germline.

Labcorp Genetics (formerly Invitae), Labcorp
Classification: Uncertain significance for Sialuria; GNE myopathy. Last evaluated: 2025-07-29. Review status: criteria provided, single submitter. Criteria: Invitae Variant Classification Sherloc (09022015). Collection method: clinical testing. Allele origin: germline.
Comment: This sequence change falls in intron 3 of the GNE gene. It does not directly change the encoded amino acid sequence of the GNE protein. It affects a nucleotide within the consensus splice site. This variant is present in population databases (rs150714953, gnomAD 0.04%). This variant has not been reported in the literature in individuals affected with GNE-related conditions. ClinVar contains an entry for this variant (Variation ID: 2043205). Variants that disrupt the consensus splice site are a relatively common cause of aberrant splicing (PMID: 17576681, 9536098). Algorithms developed to predict the effect of sequence changes on RNA splicing suggest that this variant is not likely to affect RNA splicing. In summary, the available evidence is currently insufficient to determine the role of this variant in disease. Therefore, it has been classified as a Variant of Uncertain Significance.

Literature cited by the submitters: PubMed 17576681 (cited by Labcorp Genetics (formerly Invitae), Labcorp); PubMed 9536098 (cited by Labcorp Genetics (formerly Invitae), Labcorp).

NM_005476.7(GNE):c.616+5G>A

Gene: GNE (glucosamine (UDP-N-acetyl)-2-epimerase/N-acetylmannosamine kinase; minus strand). Cytogenetic location: 9p13.3.
Variant type: single nucleotide variant.
Coding change: c.616+5G>A on transcript NM_005476.7 (MANE Select); 5 bases into the intron after coding-DNA position 616, G replaced by A.
Molecular consequence: intron variant.
Genome position (GRCh38, 1-based): chr9:36,246,026, C>T on the plus strand (G>A on the coding strand, the complement: GNE is on the minus strand). VCF-style: chr9-36246026-C-T. GRCh37 (hg19) VCF-style: chr9-36246023-C-T.
Other names: c.439+5G>A (NM_001190388.2, NM_001190384.3, NM_001374798.1); c.709+5G>A (NM_001128227.3); c.616+5G>A (NM_001374797.1, NM_001190383.3).
Identifiers: ClinVar variation 2043205 (VCV002043205.4), dbSNP rs150714953, ClinGen allele CA5056698.